The following is an entry in ClinVar:

NM_001182.5(ALDH7A1):c.974C>G (p.Thr325Arg)

Gene: ALDH7A1 (aldehyde dehydrogenase 7 family member A1; minus strand). Cytogenetic location: 5q23.2.
Variant type: single nucleotide variant.
Coding change: c.974C>G on transcript NM_001182.5 (MANE Select); coding-DNA position 974, C replaced by G.
Protein change: p.Thr325Arg; replaces threonine 325 with arginine.
Molecular consequence: missense variant.
Genome position (GRCh38, 1-based): chr5:126,559,274, G>C on the plus strand (C>G on the coding strand, the complement: ALDH7A1 is on the minus strand). VCF-style: chr5-126559274-G-C. GRCh37 (hg19) VCF-style: chr5-125894966-G-C.
Other names: c.890C>G, p.Thr297Arg (NM_001201377.2); c.974C>G, p.Thr325Arg (NM_001202404.2); short protein forms T325R, T297R.
Identifiers: ClinVar variation 1982389 (VCV001982389.4), dbSNP rs1389337955, ClinGen allele CA360726679.

ClinVar aggregate classification (germline): Pathogenic (1 of 4 stars; one submission).

Conditions:
Pyridoxine-dependent epilepsy (EPEO4). Also called: PYRIDOXINE DEPENDENCY WITH SEIZURES; Pyridoxine-Dependent Seizures; Pyridoxine-Dependent Epilepsy - ALDH7A1; EPILEPSY, EARLY-ONSET, 4, VITAMIN B6-DEPENDENT. Identifiers: Orphanet 3006, MedGen C1849508, MONDO:0009945, OMIM 266100. Disease mechanism: loss of function.

Allele frequency attached by ClinVar (database versions not stated): TOPMed below 0.00001.
gnomAD v4.1: 15 of 1,614,016 alleles (0.00093%); highest among the groups gnomAD compares: Non-Finnish European, 0.0013%; no homozygotes.

Submission:

Labcorp Genetics (formerly Invitae), Labcorp
Classification: Pathogenic for Pyridoxine-dependent epilepsy. Last evaluated: 2023-07-03. Review status: criteria provided, single submitter. Criteria: Invitae Variant Classification Sherloc (09022015). Collection method: clinical testing. Allele origin: germline.
Comment: Experimental studies have shown that this missense change affects ALDH7A1 function (PMID: 22784480). This sequence change replaces threonine, which is neutral and polar, with arginine, which is basic and polar, at codon 325 of the ALDH7A1 protein (p.Thr325Arg). This variant is present in population databases (no rsID available, gnomAD 0.002%). This missense change has been observed in individual(s) with pyridoxine-dependent epilepsy (PMID: 19128417, 30043187). This variant is also known as p.T297R. ClinVar contains an entry for this variant (Variation ID: 1982389). Advanced modeling of protein sequence and biophysical properties (such as structural, functional, and spatial information, amino acid conservation, physicochemical variation, residue mobility, and thermodynamic stability) performed at Invitae indicates that this missense variant is expected to disrupt ALDH7A1 protein function. This variant disrupts the p.Thr325 amino acid residue in ALDH7A1. Other variant(s) that disrupt this residue have been determined to be pathogenic (Invitae). This suggests that this residue is clinically significant, and that variants that disrupt this residue are likely to be disease-causing. For these reasons, this variant has been classified as Pathogenic.

Literature cited by the submitters: PubMed 22784480; PubMed 19128417; PubMed 30043187.